The following is an entry in ClinVar:

ClinVar aggregate classification (germline): Uncertain significance. Review status: criteria provided, multiple submitters, no conflicts (2 of 4 stars). 4 submissions from 4 submitters: Uncertain significance (4). Last evaluated 2025-12-18.

Conditions:
Inborn genetic diseases. Identifiers: MedGen C0950123, MeSH D030342.
Myopathy, proximal, and ophthalmoplegia (CMYO6). Also called: MYOPATHY WITH CONGENITAL JOINT CONTRACTURES, OPHTHALMOPLEGIA, AND RIMMED VACUOLES; INCLUSION BODY MYOPATHY 3, AUTOSOMAL DOMINANT; CONGENITAL MYOPATHY 6 WITH OPHTHALMOPLEGIA. Identifiers: Orphanet 363677, Orphanet 79091, MedGen C1854106, MONDO:0011577, OMIM 605637.

Allele frequency attached by ClinVar (database versions not stated): gnomAD exomes 0.00004 and 0.00007; ExAC 0.00009; ESP Exome Variant Server 0.00023; gnomAD 0.00027 and 0.00029; TOPMed 0.00034; 1000 Genomes Project 0.00040; 1000 Genomes Project 30x 0.00047.
gnomAD v4.1: 104 of 1,613,992 alleles (0.0064%); highest among the groups gnomAD compares: African/African-American, 0.071%; no homozygotes.

Submissions (4):

Labcorp Genetics (formerly Invitae), Labcorp
Classification: Uncertain significance for Myopathy, proximal, and ophthalmoplegia. Last evaluated: 2025-12-18. Review status: criteria provided, single submitter. Criteria: Invitae Variant Classification Sherloc (09022015). Collection method: clinical testing. Allele origin: germline.
Comment: This sequence change replaces arginine, which is basic and polar, with tryptophan, which is neutral and slightly polar, at codon 1274 of the MYH2 protein (p.Arg1274Trp). This variant is present in population databases (rs191102801, gnomAD 0.07%). This variant has not been reported in the literature in individuals affected with MYH2-related conditions. ClinVar contains an entry for this variant (Variation ID: 534342). Invitae Evidence Modeling of protein sequence and biophysical properties (such as structural, functional, and spatial information, amino acid conservation, physicochemical variation, residue mobility, and thermodynamic stability) indicates that this missense variant is expected to disrupt MYH2 protein function with a positive predictive value of 80%. In summary, the available evidence is currently insufficient to determine the role of this variant in disease. Therefore, it has been classified as a Variant of Uncertain Significance.

Ambry Genetics
Classification: Uncertain significance for Inborn genetic diseases. Last evaluated: 2024-08-27. Review status: criteria provided, single submitter. Criteria: Ambry Variant Classification Scheme 2023. Collection method: clinical testing. Allele origin: germline.

Mayo Clinic Laboratories, Mayo Clinic
Classification: Uncertain significance. Last evaluated: 2023-12-05. Review status: criteria provided, single submitter. Criteria: ACMG Guidelines, 2015. Collection method: clinical testing. Allele origin: germline. Observed: 1 variant allele.
Comment: PP3

GeneDx
Classification: Uncertain significance. Last evaluated: 2022-11-10. Review status: criteria provided, single submitter. Criteria: GeneDx Variant Classification Process June 2021. Collection method: clinical testing. Allele origin: germline. Affected: yes.
Comment: In silico analysis supports that this missense variant has a deleterious effect on protein structure/function; Has not been previously published as pathogenic or benign to our knowledge; This variant is associated with the following publications: (PMID: 32579932, 28719003, 26740555)

NM_017534.6(MYH2):c.3820C>T (p.Arg1274Trp)

Genes: MYH2 (myosin heavy chain 2; minus strand), MYHAS (myosin heavy chain gene cluster antisense RNA; plus strand). Cytogenetic location: 17p13.1.
Variant type: single nucleotide variant.
Coding change: c.3820C>T on transcript NM_017534.6 (MANE Select); coding-DNA position 3820, C replaced by T.
Protein change: p.Arg1274Trp; replaces arginine 1274 with tryptophan.
Molecular consequence: missense variant.
Genome position (GRCh38, 1-based): chr17:10,527,799, G>A on the plus strand (C>T on the coding strand, the complement: MYH2 is on the minus strand). VCF-style: chr17-10527799-G-A. GRCh37 (hg19) VCF-style: chr17-10431116-G-A.
Other names: p.Arg1274Trp; c.3820C>T, p.Arg1274Trp (NM_001100112.2); short protein forms R1274W.
Identifiers: ClinVar variation 534342 (VCV000534342.12), dbSNP rs191102801, ClinGen allele CA8390798.
Genomic context (GRCh38, chr17:10,527,799, plus strand): 5'-GAGAGTTACCAGATTCAGTCTGCAGGCGCCCCCTCTGCGCAGTCAGGTCATTGATCAGCC[G>A]CTGCTGCTCCTCTTCCTTTGATTTCAGTTCACTCAGTTGGTCCTCTAGAGTCCGGCACAT-3'
Protein context (NP_060004.3, residues 1264-1284): ELKSKEEEQQ[Arg1274Trp]LINDLTAQRG